The following is an entry in ClinVar:

ClinVar aggregate classification (germline): Conflicting classifications of pathogenicity. Review status: criteria provided, conflicting classifications (1 of 4 stars). 6 submissions from 6 submitters: Uncertain significance (5); Likely benign (1). Last evaluated 2025-10-31.

Conditions:
Cardiovascular phenotype. Identifiers: MedGen CN230736.
Catecholaminergic polymorphic ventricular tachycardia (CVPT). Also called: Catecholamine-induced polymorphic ventricular tachycardia. Identifiers: Orphanet 3286, MedGen C5574922, MONDO:0017990.
Cardiomyopathy (CMYO). Also called: Cardiomyopathies. Identifiers: Orphanet 167848, MedGen C0878544, MONDO:0004994, HP:0001638. Inheritance: Various modes of inheritance.
Catecholaminergic polymorphic ventricular tachycardia 1. Also called: VENTRICULAR TACHYCARDIA, STRESS-INDUCED POLYMORPHIC 1; RYR2-Related Catecholaminergic Polymorphic Ventricular Tachycardia; VENTRICULAR TACHYCARDIA, CATECHOLAMINERGIC POLYMORPHIC, 1, WITH OR WITHOUT ATRIAL DYSFUNCTION AND/OR DILATED CARDIOMYOPATHY. Identifiers: Orphanet 3286, MedGen C1631597, MONDO:0011484, OMIM 604772.

Allele frequency attached by ClinVar (database versions not stated): gnomAD 0.00001; TOPMed 0.00001; ExAC 0.00003; gnomAD exomes 0.00004.
gnomAD v4.1: 53 of 1,608,922 alleles (0.0033%); highest among the groups gnomAD compares: Non-Finnish European, 0.004%; 1 homozygote.

Submissions (6):

Ambry Genetics
Classification: Uncertain significance for Cardiovascular phenotype. Last evaluated: 2025-10-31. Review status: criteria provided, single submitter. Criteria: Ambry Variant Classification Scheme 2023. Collection method: clinical testing. Allele origin: germline.
Comment: The p.N1978S variant (also known as c.5933A>G), located in coding exon 39 of the RYR2 gene, results from an A to G substitution at nucleotide position 5933. The asparagine at codon 1978 is replaced by serine, an amino acid with highly similar properties. This amino acid position is highly conserved in available vertebrate species. In addition, this alteration is predicted to be tolerated by in silico analysis. Based on the available evidence, the clinical significance of this variant remains unclear.

Labcorp Genetics (formerly Invitae), Labcorp
Classification: Likely benign for Catecholaminergic polymorphic ventricular tachycardia 1. Last evaluated: 2025-09-10. Review status: criteria provided, single submitter. Criteria: Invitae Variant Classification Sherloc (09022015). Collection method: clinical testing. Allele origin: germline.

All of Us Research Program, National Institutes of Health
Classification: Uncertain significance for Catecholaminergic polymorphic ventricular tachycardia. Last evaluated: 2024-05-14. Review status: criteria provided, single submitter. Criteria: ACMG Guidelines, 2015. Collection method: clinical testing. Allele origin: germline. Inheritance: Autosomal dominant inheritance. Observed: 11 variant alleles, 11 heterozygotes.
Comment: This missense variant replaces asparagine with serine at codon 1978 of the RYR2 protein. Computational prediction suggests that this variant may not impact protein structure and function (internally defined REVEL score threshold <= 0.5, PMID: 27666373). To our knowledge, functional studies have not been reported for this variant. This variant has not been reported in individuals affected with cardiovascular disorders in the literature. This variant has been identified in 9/248216 chromosomes in the general population by the Genome Aggregation Database (gnomAD). The available evidence is insufficient to determine the role of this variant in disease conclusively. Therefore, this variant is classified as a Variant of Uncertain Significance.

This study involves interpretation of variants in research participants for the purpose of population health screening. Participant phenotype was not available at the time of variant classification. Additional details can be found in publication PMID: 35346344, PMCID: PMC8962531

Color Diagnostics, LLC DBA Color Health
Classification: Uncertain significance for Cardiomyopathy. Last evaluated: 2024-03-06. Review status: criteria provided, single submitter. Criteria: ACMG Guidelines, 2015. Collection method: clinical testing. Allele origin: germline.
Comment: This missense variant replaces asparagine with serine at codon 1978 of the RYR2 protein. Computational prediction suggests that this variant may not impact protein structure and function (internally defined REVEL score threshold <= 0.5, PMID: 27666373). To our knowledge, functional studies have not been reported for this variant. This variant has not been reported in individuals affected with RYR2-related disorders in the literature. This variant has been identified in 9/248216 chromosomes in the general population by the Genome Aggregation Database (gnomAD). The available evidence is insufficient to determine the role of this variant in disease conclusively. Therefore, this variant is classified as a Variant of Uncertain Significance.

Blueprint Genetics
Classification: Uncertain significance. Last evaluated: 2022-07-19. Review status: criteria provided, single submitter. Criteria: ACMG Guidelines, 2015. Collection method: clinical testing. Allele origin: germline.

GeneDx
Classification: Uncertain significance. Last evaluated: 2020-02-18. Review status: criteria provided, single submitter. Criteria: GeneDx Variant Classification Process June 2021. Collection method: clinical testing. Allele origin: germline. Affected: yes.
Comment: Has not been previously published as pathogenic or benign to our knowledge; Reported in ClinVar as a variant of uncertain significance (ClinVar Variant ID# 519535; Landrum et al., 2016); In-silico analysis, which includes splice predictors and evolutionary conservation, is inconclusive as to whether the variant alters gene splicing; in the absence of RNA/functional studies, the actual effect of this sequence change is unknown; Not located in one of the three hot-spot regions of the RYR2 gene, where the majority of pathogenic missense variants occur (Medeiros-Domingo et al., 2009)

NM_001035.3(RYR2):c.5933A>G (p.Asn1978Ser)

Gene: RYR2 (ryanodine receptor 2; plus strand). Cytogenetic location: 1q43.
Variant type: single nucleotide variant.
Coding change: c.5933A>G on transcript NM_001035.3 (MANE Select); coding-DNA position 5933, A replaced by G.
Protein change: p.Asn1978Ser; replaces asparagine 1978 with serine.
Molecular consequence: missense variant.
Genome position (GRCh38, 1-based): chr1:237,623,781, A>G. VCF-style: chr1-237623781-A-G. GRCh37 (hg19) VCF-style: chr1-237787081-A-G.
Other names: c.5933A>G, p.Asn1978Ser (LRG_402t1); short protein forms N1978S.
Identifiers: ClinVar variation 519535 (VCV000519535.24), dbSNP rs773006920, ClinGen allele CA087007.
Genomic context (GRCh38, chr1:237,623,781, plus strand): 5'-TTTTCTTCCTCCTTCTTCCTCTTTCTTGTTTTTCAAACTTTCAGATCAATATGCTTCTCA[A>G]TTTTAAGGATGACAAAAGTGAATGTCCATGTCCAGAAGAAATTCGTGACCAACTATTGGA-3'
Protein context (NP_001026.2, residues 1968-1988): PPQEQINMLL[Asn1978Ser]FKDDKSECPC